The following is an entry in ClinVar:

NM_006231.4(POLE):c.4015A>G (p.Thr1339Ala)

Gene: POLE (DNA polymerase epsilon, catalytic subunit; minus strand). Cytogenetic location: 12q24.33.
Variant type: single nucleotide variant.
Coding change: c.4015A>G on transcript NM_006231.4 (MANE Select); coding-DNA position 4015, A replaced by G.
Protein change: p.Thr1339Ala; replaces threonine 1339 with alanine.
Molecular consequence: missense variant.
Genome position (GRCh38, 1-based): chr12:132,649,063, T>C on the plus strand (A>G on the coding strand, the complement: POLE is on the minus strand). VCF-style: chr12-132649063-T-C. GRCh37 (hg19) VCF-style: chr12-133225649-T-C.
Other names: c.4015A>G (NM_006231.2); short protein forms T1339A.
Identifiers: ClinVar variation 473635 (VCV000473635.9), dbSNP rs1555223881, ClinGen allele CA387384018.

ClinVar aggregate classification (germline): Uncertain significance. Review status: criteria provided, multiple submitters, no conflicts (2 of 4 stars). 2 submissions from 2 submitters: Uncertain significance (2). Last evaluated 2026-04-28.

Conditions:
Hereditary cancer-predisposing syndrome. Also called: Tumor predisposition; Hereditary neoplastic syndrome; Neoplastic Syndromes, Hereditary; Hereditary Cancer Syndrome. Identifiers: Orphanet 140162, MedGen C0027672, MeSH D009386, MONDO:0015356.

Submissions (2):

Ambry Genetics
Classification: Uncertain significance for Hereditary cancer-predisposing syndrome. Last evaluated: 2026-04-28. Review status: criteria provided, single submitter. Criteria: Ambry Variant Classification Scheme 2023. Collection method: clinical testing. Allele origin: germline.
Comment: The p.T1339A variant (also known as c.4015A>G), located in coding exon 32 of the POLE gene, results from an A to G substitution at nucleotide position 4015. The threonine at codon 1339 is replaced by alanine, an amino acid with similar properties. This amino acid position is conserved. In addition, this alteration is predicted to be tolerated by in silico analysis. Based on the available evidence, the clinical significance of this variant remains unclear.

Labcorp Genetics (formerly Invitae), Labcorp
Classification: Uncertain significance. Last evaluated: 2017-06-17. Review status: criteria provided, single submitter. Criteria: Invitae Variant Classification Sherloc (09022015). Collection method: clinical testing. Allele origin: germline.
Comment: In summary, this variant has uncertain impact on POLE function. The available evidence is currently insufficient to determine its role in disease. Therefore, it has been classified as a Variant of Uncertain Significance. Algorithms developed to predict the effect of missense changes on protein structure and function do not agree on the potential impact of this missense change (SIFT: "Tolerated"; PolyPhen-2: "Benign"; Align-GVGD: "Class C0"). This variant has not been reported in the literature in individuals with a POLE-related disease. This variant is not present in population databases (ExAC no frequency). This sequence change replaces threonine with alanine at codon 1339 of the POLE protein (p.Thr1339Ala). The threonine residue is moderately conserved and there is a small physicochemical difference between threonine and alanine.